The following is an entry in ClinVar:

NM_024642.5(GALNT12):c.901C>T (p.Pro301Ser)

Gene: GALNT12 (polypeptide N-acetylgalactosaminyltransferase 12; plus strand). Cytogenetic location: 9q22.33.
Variant type: single nucleotide variant.
Coding change: c.901C>T on transcript NM_024642.5 (MANE Select); coding-DNA position 901, C replaced by T.
Protein change: p.Pro301Ser; replaces proline 301 with serine.
Molecular consequence: missense variant.
Genome position (GRCh38, 1-based): chr9:98,831,941, C>T. VCF-style: chr9-98831941-C-T. GRCh37 (hg19) VCF-style: chr9-101594223-C-T.
Other names: short protein forms P301S.
Identifiers: ClinVar variation 936708 (VCV000936708.17), dbSNP rs973765987, ClinGen allele CA196824085.

ClinVar aggregate classification (germline): Uncertain significance. Review status: criteria provided, multiple submitters, no conflicts (2 of 4 stars). 3 submissions from 3 submitters: Uncertain significance (3). Last evaluated 2025-02-02.

Conditions:
Colorectal cancer, susceptibility to, 1. Also called: COLORECTAL ADENOMA AND CANCER, SUSCEPTIBILITY TO; COLORECTAL CANCER, SUSCEPTIBILITY TO, ON CHROMOSOME 9. Identifiers: MedGen C1837315, MONDO:0012132, OMIM 608812.

Allele frequency attached by ClinVar (database versions not stated): gnomAD 0.00003 and 0.00004; TOPMed 0.00003.
gnomAD v4.1: 7 of 1,613,726 alleles (0.00043%); highest among the groups gnomAD compares: Admixed American, 0.0067%; no homozygotes.

Submissions (3):

Ambry Genetics
Classification: Uncertain significance. Last evaluated: 2025-02-02. Review status: criteria provided, single submitter. Criteria: Ambry Variant Classification Scheme 2023. Collection method: clinical testing. Allele origin: germline.
Comment: The p.P301S variant (also known as c.901C>T), located in coding exon 4 of the GALNT12 gene, results from a C to T substitution at nucleotide position 901. The proline at codon 301 is replaced by serine, an amino acid with similar properties. This amino acid position is well conserved in available vertebrate species. In addition, this alteration is predicted to be tolerated by in silico analysis. Since supporting evidence is limited at this time, the clinical significance of this alteration remains unclear.

Baylor Genetics
Classification: Uncertain significance for Colorectal cancer, susceptibility to, 1. Last evaluated: 2023-12-18. Review status: criteria provided, single submitter. Criteria: ACMG Guidelines, 2015. Collection method: clinical testing. Allele origin: unknown.

Labcorp Genetics (formerly Invitae), Labcorp
Classification: Uncertain significance. Last evaluated: 2023-07-21. Review status: criteria provided, single submitter. Criteria: Invitae Variant Classification Sherloc (09022015). Collection method: clinical testing. Allele origin: germline.
Comment: This variant is present in population databases (no rsID available, gnomAD 0.0009%). This sequence change replaces proline, which is neutral and non-polar, with serine, which is neutral and polar, at codon 301 of the GALNT12 protein (p.Pro301Ser). In summary, the available evidence is currently insufficient to determine the role of this variant in disease. Therefore, it has been classified as a Variant of Uncertain Significance. Advanced modeling of protein sequence and biophysical properties (such as structural, functional, and spatial information, amino acid conservation, physicochemical variation, residue mobility, and thermodynamic stability) performed at Invitae indicates that this missense variant is not expected to disrupt GALNT12 protein function. ClinVar contains an entry for this variant (Variation ID: 936708). This variant has not been reported in the literature in individuals affected with GALNT12-related conditions.